The following is an entry in ClinVar:

ClinVar aggregate classification (germline): Conflicting classifications of pathogenicity. Review status: criteria provided, conflicting classifications (1 of 4 stars). 8 submissions from 8 submitters: Uncertain significance (7); Likely benign (1). Last evaluated 2026-02-11.

Conditions:
BAG3-related disorder. Also called: BAG3-related condition.
Cardiovascular phenotype. Identifiers: MedGen CN230736.
Myofibrillar myopathy 6. Identifiers: Orphanet 199340, MedGen C2751831, MONDO:0013061, OMIM 612954.
Dilated cardiomyopathy 1HH (CMD1HH). Identifiers: Orphanet 154, MedGen C3151293, MONDO:0013479, OMIM 613881.

Submissions (8):

PreventionGenetics, part of Exact Sciences
Classification: Likely benign for BAG3-related condition. Last evaluated: 2026-02-11. Review status: criteria provided, single submitter. Criteria: ACMG Guidelines, 2015. Collection method: clinical testing. Allele origin: germline.
Comment: This variant is classified as likely benign based on ACMG/AMP sequence variant interpretation guidelines (Richards et al. 2015 PMID: 25741868, with internal and published modifications).

Labcorp Genetics (formerly Invitae), Labcorp
Classification: Uncertain significance for Dilated cardiomyopathy 1HH; Myofibrillar myopathy 6. Last evaluated: 2025-12-21. Review status: criteria provided, single submitter. Criteria: Invitae Variant Classification Sherloc (09022015). Collection method: clinical testing. Allele origin: germline.
Comment: This variant, c.1232_1234del, results in the deletion of 1 amino acid(s) of the BAG3 protein (p.Gly411del), but otherwise preserves the integrity of the reading frame. This variant is present in population databases (rs761727804, gnomAD 0.06%), and has an allele count higher than expected for a pathogenic variant. This variant has been observed in individual(s) with clinical features of BAG3-related conditions (PMID: 31983221, 32746448, 37652022). This variant is also known as p.GE411_GE412delinsE. ClinVar contains an entry for this variant (Variation ID: 410228). Experimental studies and prediction algorithms are not available or were not evaluated, and the functional significance of this variant is currently unknown. In summary, the available evidence is currently insufficient to determine the role of this variant in disease. Therefore, it has been classified as a Variant of Uncertain Significance.

Mayo Clinic Laboratories, Mayo Clinic
Classification: Uncertain significance. Last evaluated: 2025-10-18. Review status: criteria provided, single submitter. Criteria: ACMG Guidelines, 2015. Collection method: clinical testing. Allele origin: germline. Observed: 1 variant allele.
Comment: PM4

Dasa
Classification: Uncertain significance. Last evaluated: 2025-07-31. Review status: criteria provided, single submitter. Criteria: DASA Assertion Criteria. Collection method: clinical testing. Allele origin: germline.
Comment: NM_004281.4(BAG3):c.1232_1234del (p.Gly411del) is an in-frame deletion predicted to remove glycine at protein position 411 without shifting the reading frame. This variant has been reported in individuals with BAG3-related disorders. Also, this variant is rare in population databases. The currently available literature and clinical evidence are not sufficient to establish a definitive association between this variant and the reported condition. Therefore, this variant is classified as a variant of uncertain significance.

Revvity Omics, Revvity
Classification: Uncertain significance. Last evaluated: 2025-03-13. Review status: criteria provided, single submitter. Criteria: ACMG Guidelines, 2015. Collection method: clinical testing. Allele origin: germline.

Ambry Genetics
Classification: Uncertain significance for Cardiovascular phenotype. Last evaluated: 2024-09-19. Review status: criteria provided, single submitter. Criteria: Ambry Variant Classification Scheme 2023. Collection method: clinical testing. Allele origin: germline.
Comment: The c.1232_1234delGAG variant (also known as p.G411del) is located in coding exon 4 of the BAG3 gene. This variant results from an in-frame GAG deletion at nucleotide positions 1232 to 1234. This results in the in-frame deletion of a glycine residue at codon 411. This variant has been detected in a dilated cardiomyopathy cohort and a healthy control cohort (Mazzarotto F et al. Circulation. 2020 02;141(5):387-398). This variant co-occurred with another variant in a cardiac-related gene in an individual with noncompaction cardiomyopathy (van Lint FHM et al. Neth Heart J. 2019 Jun;27(6):304-309). This amino acid position is not well conserved in available vertebrate species. In addition, this alteration is predicted to be neutral by in silico analysis (Choi Y et al. PLoS ONE. 2012; 7(10):e46688). Since supporting evidence is limited at this time, the clinical significance of this alteration remains unclear.

Fulgent Genetics
Classification: Uncertain significance for Myofibrillar myopathy 6; Dilated cardiomyopathy 1HH. Last evaluated: 2021-11-08. Review status: criteria provided, single submitter. Criteria: ACMG Guidelines, 2015. Collection method: clinical testing. Allele origin: unknown.

GeneDx
Classification: Uncertain significance. Last evaluated: 2019-08-07. Review status: criteria provided, single submitter. Criteria: GeneDx Variant Classification Process June 2021. Collection method: clinical testing. Allele origin: germline. Affected: yes.
Comment: Has not been previously published as pathogenic or benign to our knowledge; Reported in ClinVar as a variant of uncertain significance but additional evidence is not available (ClinVar Variant ID# 410228; Landrum et al., 2016); In-frame deletion of one glycine residue and in silico analysis, which includes protein predictors and evolutionary conservation, supports that this variant does not alter protein structure/function; This variant is associated with the following publications: (PMID: 31983221)

Literature cited by the submitters: PubMed 31983221 (cited by 3 submitters); PubMed 32746448 (cited by 3 submitters); PubMed 37652022 (cited by Labcorp Genetics (formerly Invitae), Labcorp and Mayo Clinic Laboratories, Mayo Clinic); PubMed 30847666 (cited by Mayo Clinic Laboratories, Mayo Clinic and Ambry Genetics).

NM_004281.4(BAG3):c.1232_1234del (p.Gly411del)

Gene: BAG3 (BAG cochaperone 3; plus strand). Cytogenetic location: 10q26.11.
Variant type: Deletion.
Coding change: c.1232_1234del on transcript NM_004281.4 (MANE Select); coding-DNA positions 1232 to 1234, 3 bases deleted (GAG; older notation c.1232_1234delGAG).
Protein change: p.Gly411del; deletes glycine 411.
Molecular consequence: inframe deletion.
Genome position (GRCh38, 1-based): chr10:119,676,786-119,676,788, GAG deleted; deleting any 3 consecutive bases within chr10:119,676,784-119,676,788 gives the same sequence; the c. name uses the placement nearest the transcript's 3' end. VCF-style (leftmost placement, unchanged base first): chr10-119676783-CAGG-C. GRCh37 (hg19) VCF-style: chr10-121436295-CAGG-C.
Other names: p.Gly411del; c.1232_1234delGAG (NM_004281.3); short protein forms G411del.
Identifiers: ClinVar variation 410228 (VCV000410228.23), dbSNP rs761727804, ClinGen allele CA5716512.
Genomic context (GRCh38, chr10:119,676,783, plus strand): 5'-TGGCTACAGAAGAGAGGGCAGCCCCCAGCACTGCCCCTGCAGAAGCTACACCTCCAAAAC[CAGG>C]AGAAGCCGAGGCTCCCCCAAAACATCCAGGAGTGCTGAAAGTGGAAGCCATCCTGGAGAA-3'